The following is an entry in ClinVar:

ClinVar aggregate classification (germline): Uncertain significance (1 of 4 stars; one submission).

Allele frequency attached by ClinVar (database versions not stated): ExAC 0.00001; gnomAD exomes 0.00001; TOPMed 0.00001; gnomAD 0.00002.
gnomAD v4.1: 15 of 1,587,382 alleles (0.00094%); highest among the groups gnomAD compares: Admixed American, 0.0019%; no homozygotes.

Submission:

Labcorp Genetics (formerly Invitae), Labcorp
Classification: Uncertain significance. Last evaluated: 2022-04-28. Review status: criteria provided, single submitter. Criteria: Invitae Variant Classification Sherloc (09022015). Collection method: clinical testing. Allele origin: germline.
Comment: This sequence change replaces serine, which is neutral and polar, with tyrosine, which is neutral and polar, at codon 179 of the PPA2 protein (p.Ser179Tyr). The frequency data for this variant in the population databases is considered unreliable, as metrics indicate poor data quality at this position in the gnomAD database. This variant has not been reported in the literature in individuals affected with PPA2-related conditions. Algorithms developed to predict the effect of missense changes on protein structure and function are either unavailable or do not agree on the potential impact of this missense change (SIFT: "Tolerated"; PolyPhen-2: "Probably Damaging"; Align-GVGD: "Class C0"). In summary, the available evidence is currently insufficient to determine the role of this variant in disease. Therefore, it has been classified as a Variant of Uncertain Significance.

NM_176869.3(PPA2):c.536C>A (p.Ser179Tyr)

Gene: PPA2 (inorganic pyrophosphatase 2; minus strand). Cytogenetic location: 4q24.
Variant type: single nucleotide variant.
Coding change: c.536C>A on transcript NM_176869.3 (MANE Select); coding-DNA position 536, C replaced by A.
Protein change: p.Ser179Tyr; replaces serine 179 with tyrosine.
Molecular consequence: missense variant. On other transcripts: intron variant (1).
Genome position (GRCh38, 1-based): chr4:105,424,315, G>T on the plus strand (C>A on the coding strand, the complement: PPA2 is on the minus strand). VCF-style: chr4-105424315-G-T. GRCh37 (hg19) VCF-style: chr4-106345472-G-T.
Other names: c.449C>A, p.Ser150Tyr (NM_006903.4); c.230C>A, p.Ser77Tyr (NM_176866.2); c.158-25151C>A (NM_176867.3); short protein forms S150Y, S179Y, S77Y.
Identifiers: ClinVar variation 1937532 (VCV001937532.5), dbSNP rs775664145, ClinGen allele CA3032492.